The following is an entry in ClinVar:

ClinVar aggregate classification (germline): Uncertain significance (1 of 4 stars; one submission).

Allele frequency attached by ClinVar (database versions not stated): gnomAD exomes below 0.00001; ExAC 0.00001; gnomAD 0.00001; TOPMed 0.00002.
gnomAD v4.1: 2 of 1,613,788 alleles (0.00012%); highest among the groups gnomAD compares: African/African-American, 0.0027%; no homozygotes.

Submission:

GeneDx
Classification: Uncertain significance. Last evaluated: 2019-08-26. Review status: criteria provided, single submitter. Criteria: GeneDx Variant Classification Process June 2021. Collection method: clinical testing. Allele origin: germline. Affected: yes.
Comment: Not observed at a significant frequency in large population cohorts (Lek et al., 2016); Missense variant in a gene in which most reported pathogenic variants are truncating/loss-of-function; Has not been previously published as pathogenic or benign to our knowledge

NM_001267550.2(TTN):c.92522A>G (p.Glu30841Gly)

Genes: TTN (titin; minus strand), TTN-AS1 (TTN antisense RNA 1; plus strand). Cytogenetic location: 2q31.2.
Variant type: single nucleotide variant.
Coding change: c.92522A>G on transcript NM_001267550.2 (MANE Select); coding-DNA position 92522, A replaced by G.
Protein change: p.Glu30841Gly; replaces glutamic acid 30841 with glycine.
Molecular consequence: missense variant.
Genome position (GRCh38, 1-based): chr2:178,549,104, T>C on the plus strand (A>G on the coding strand, the complement: TTN is on the minus strand). VCF-style: chr2-178549104-T-C. GRCh37 (hg19) VCF-style: chr2-179413831-T-C.
Other names: c.87599A>G, p.Glu29200Gly (NM_001256850.1); c.65327A>G, p.Glu21776Gly (NM_003319.4); c.84818A>G, p.Glu28273Gly (NM_133378.4); c.65702A>G, p.Glu21901Gly (NM_133432.3); c.65903A>G, p.Glu21968Gly (NM_133437.4); short protein forms E21776G, E21901G, E21968G, E28273G, E29200G, E30841G.
Identifiers: ClinVar variation 1309820 (VCV001309820.2), dbSNP rs761617318, ClinGen allele CA1987433.
Genomic context (GRCh38, chr2:178,549,104, plus strand): 5'-CACATTTCAATAATATACCCAATTATTTCCATGCCACCATCAAACACTGGTTTGGACCAT[T>C]CTAAGCTCACAGTTGTCTTTGATGTGTCTGTTACTTTGACCACTGTGGGAGGACCTGGTG-3'
Protein context (NP_001254479.2, residues 30831-30851): TDTSKTTVSL[Glu30841Gly]WSKPVFDGGM